The following is an entry in ClinVar:

ClinVar aggregate classification (germline): Uncertain significance (1 of 4 stars; one submission).

gnomAD v4.1: 24 of 1,613,914 alleles (0.0015%); highest among the groups gnomAD compares: African/African-American, 0.029%; no homozygotes.

Submission:

Labcorp Genetics (formerly Invitae), Labcorp
Classification: Uncertain significance. Last evaluated: 2025-01-05. Review status: criteria provided, single submitter. Criteria: Invitae Variant Classification Sherloc (09022015). Collection method: clinical testing. Allele origin: germline.
Comment: This sequence change replaces tryptophan, which is neutral and slightly polar, with glycine, which is neutral and non-polar, at codon 347 of the NYNRIN protein (p.Trp347Gly). This variant is present in population databases (rs749396579, gnomAD 0.02%). This variant has not been reported in the literature in individuals affected with NYNRIN-related conditions. Experimental studies and prediction algorithms are not available or were not evaluated, and the functional significance of this variant is currently unknown. In summary, the available evidence is currently insufficient to determine the role of this variant in disease. Therefore, it has been classified as a Variant of Uncertain Significance.

NM_025081.3(NYNRIN):c.1039T>G (p.Trp347Gly)

Gene: NYNRIN (NYN domain and retroviral integrase containing; plus strand). Cytogenetic location: 14q12.
Variant type: single nucleotide variant.
Coding change: c.1039T>G on transcript NM_025081.3 (MANE Select); coding-DNA position 1039, T replaced by G.
Protein change: p.Trp347Gly; replaces tryptophan 347 with glycine.
Molecular consequence: missense variant.
Genome position (GRCh38, 1-based): chr14:24,408,833, T>G. VCF-style: chr14-24408833-T-G. GRCh37 (hg19) VCF-style: chr14-24878039-T-G.
Other names: short protein forms W347G.
Identifiers: ClinVar variation 3631202 (VCV003631202.2).